The following is an entry in ClinVar:

ClinVar aggregate classification (germline): Benign (1 of 4 stars; one submission).

Allele frequency attached by ClinVar (database versions not stated): 1000 Genomes Project 0.00319; 1000 Genomes Project 30x 0.00328; TOPMed 0.00529; ESP Exome Variant Server 0.00739; gnomAD 0.00772; ExAC 0.00967.
gnomAD v4.1: 14,887 of 1,614,150 alleles (0.92%); highest among the groups gnomAD compares: Non-Finnish European, 1%; 95 homozygotes.

Submission:

CeGaT Center for Human Genetics Tuebingen
Classification: Benign. Last evaluated: 2026-08-01. Review status: criteria provided, single submitter. Criteria: CeGaT Center For Human Genetics Tuebingen Variant Classification Criteria Version 2. Collection method: clinical testing. Allele origin: germline. Affected: yes. Observed: 5 variant alleles.
Comment: VPS35L: BP4, BS1, BS2

NM_020314.7(VPS35L):c.2713C>T (p.Arg905Cys)

Gene: VPS35L (VPS35 endosomal protein sorting factor like; plus strand). Cytogenetic location: 16p12.3.
Variant type: single nucleotide variant.
Coding change: c.2713C>T on transcript NM_020314.7 (MANE Select); coding-DNA position 2713, C replaced by T.
Protein change: p.Arg905Cys; replaces arginine 905 with cysteine.
Molecular consequence: missense variant. On other transcripts: non-coding transcript variant (2).
Genome position (GRCh38, 1-based): chr16:19,699,568, C>T. VCF-style: chr16-19699568-C-T. GRCh37 (hg19) VCF-style: chr16-19710890-C-T.
Other names: c.2434C>T, p.Arg812Cys (NM_001300743.3); c.2635C>T, p.Arg879Cys (NM_001365293.2); c.2512C>T, p.Arg838Cys (NM_001365294.2); c.1825C>T, p.Arg609Cys (NM_001365295.2); short protein forms R609C, R812C, R838C, R879C, R905C.
Identifiers: ClinVar variation 3024800 (VCV003024800.22), dbSNP rs150300279, ClinGen allele CA7937022.